The following is an entry in ClinVar:

ClinVar aggregate classification (germline): Conflicting classifications of pathogenicity. Review status: criteria provided, conflicting classifications (1 of 4 stars). 3 submissions from 3 submitters: Uncertain significance (1); Likely benign (2). Last evaluated 2025-01-24.

Conditions:
Citrullinemia. Identifiers: Orphanet 187, MedGen C0175683, MONDO:0015991.
Citrullinemia type I (CTNL1). Also called: ASS DEFICIENCY; argininosuccinate synthetase deficiency. Identifiers: Orphanet 247525, MedGen C4721769, MONDO:0008988, OMIM 215700.

Allele frequency attached by ClinVar (database versions not stated): gnomAD 0.00002 and 0.00003; TOPMed 0.00002; gnomAD exomes 0.00004; ExAC 0.00007; ESP Exome Variant Server 0.00008; 1000 Genomes Project 30x 0.00016; 1000 Genomes Project 0.00020.
gnomAD v4.1: 57 of 1,614,046 alleles (0.0035%); highest among the groups gnomAD compares: Non-Finnish European, 0.0042%; no homozygotes.

Submissions (3):

Labcorp Genetics (formerly Invitae), Labcorp
Classification: Likely benign for Citrullinemia. Last evaluated: 2025-01-24. Review status: criteria provided, single submitter. Criteria: Invitae Variant Classification Sherloc (09022015). Collection method: clinical testing. Allele origin: germline.

Illumina Laboratory Services, Illumina
Classification: Uncertain significance for Citrullinemia type I. Last evaluated: 2018-01-13. Review status: criteria provided, single submitter. Criteria: ICSL Variant Classification Criteria 13 December 2019. Collection method: clinical testing. Allele origin: germline.

GeneDx
Classification: Likely benign. Last evaluated: 2017-02-07. Review status: criteria provided, single submitter. Criteria: GeneDx Variant Classification (06012015). Collection method: clinical testing. Allele origin: germline. Affected: yes.
Comment: This variant is considered likely benign or benign based on one or more of the following criteria: it is a conservative change, it occurs at a poorly conserved position in the protein, it is predicted to be benign by multiple in silico algorithms, and/or has population frequency not consistent with disease.

NM_054012.4(ASS1):c.930A>G (p.Lys310=)

Gene: ASS1 (argininosuccinate synthase 1; plus strand). Cytogenetic location: 9q34.11.
Variant type: single nucleotide variant.
Coding change: c.930A>G on transcript NM_054012.4 (MANE Select); coding-DNA position 930, A replaced by G.
Protein change: p.Lys310=; no amino-acid change (lysine 310 retained).
Molecular consequence: synonymous variant.
Genome position (GRCh38, 1-based): chr9:130,489,424, A>G. VCF-style: chr9-130489424-A-G. GRCh37 (hg19) VCF-style: chr9-133364811-A-G.
Other names: c.930A>G, p.Lys310= (NM_000050.4).
Identifiers: ClinVar variation 507086 (VCV000507086.16), dbSNP rs200219927, ClinGen allele CA5283576.
Genomic context (GRCh38, chr9:130,489,424, plus strand): 5'-TTACCATGCTCATTTAGACATCGAGGCCTTCACCATGGACCGGGAAGTGCGCAAAATCAA[A>G]CAAGGCCTGGGCTTGAAATTTGCTGAGCTGGTGTATACCGGTGCGTAAGACTCTATGGCT-3'
Protein context (NP_446464.1, residues 300-320): FTMDREVRKI[Lys310=]QGLGLKFAEL